The following is an entry in ClinVar:

NM_001723.7(DST):c.3881T>C (p.Met1294Thr)

Gene: DST (dystonin; minus strand). Cytogenetic location: 6p12.1.
Variant type: single nucleotide variant.
Coding change: c.3881T>C on transcript NM_001723.7 (MANE Plus Clinical); coding-DNA position 3881, T replaced by C.
Protein change: p.Met1294Thr; replaces methionine 1294 with threonine.
Molecular consequence: missense variant. On other transcripts: intron variant (10).
Genome position (GRCh38, 1-based): chr6:56,620,153, A>G on the plus strand (T>C on the coding strand, the complement: DST is on the minus strand). VCF-style: chr6-56620153-A-G. GRCh37 (hg19) VCF-style: chr6-56484951-A-G.
Other names: c.4830+4377T>C (NM_001144769.5); c.4929+4377T>C (NM_001374722.1, NM_001374736.1); c.4956+4377T>C (NM_001374734.1); c.4416+4377T>C (NM_001144770.2); c.4296+4377T>C (NM_001374730.1, NM_001386100.1, NM_183380.4 and 1 more transcripts); c.3318+4377T>C (NM_015548.5); short protein forms M1294T.
Identifiers: ClinVar variation 5009000 (VCV005009000.1).

ClinVar aggregate classification (germline): Uncertain significance (1 of 4 stars; one submission).

gnomAD v4.1: 12 of 1,613,266 alleles (0.00074%); highest among the groups gnomAD compares: Non-Finnish European, 0.001%; no homozygotes.

Submission:

GeneDx
Classification: Uncertain significance. Last evaluated: 2026-03-11. Review status: criteria provided, single submitter. Criteria: GeneDx Variant Classification Process June 2021. Collection method: clinical testing. Allele origin: germline.
Comment: Not observed at significant frequency in large population cohorts (gnomAD); In silico analysis suggests that this missense variant does not alter protein structure/function; Has not been previously published as pathogenic or benign to our knowledge; Reported using the transcript encoding the epithelial isoform of the gene.